The following is an entry in ClinVar:

NM_000077.5(CDKN2A):c.458-88G>A

Gene: CDKN2A (cyclin dependent kinase inhibitor 2A; minus strand). Cytogenetic location: 9p21.3.
Variant type: single nucleotide variant.
Coding change: c.458-88G>A on transcript NM_000077.5 (MANE Select); 88 bases into the intron before coding-DNA position 458, G replaced by A.
Molecular consequence: intron variant.
Genome position (GRCh38, 1-based): chr9:21,968,330, C>T on the plus strand (G>A on the coding strand, the complement: CDKN2A is on the minus strand). VCF-style: chr9-21968330-C-T. GRCh37 (hg19) VCF-style: chr9-21968329-C-T.
Other names: c.305-88G>A (NM_001363763.2); c.*102-88G>A (NM_058195.4); c.*151-88G>A (NM_001195132.2); c.*381-88G>A (NM_058197.5).
Identifiers: ClinVar variation 4294240 (VCV004294240.1).

ClinVar aggregate classification (germline): Benign (1 of 4 stars; one submission).

Conditions:
Melanoma-pancreatic cancer syndrome. Identifiers: Orphanet 404560, MedGen C1838547, MONDO:0011713, OMIM 606719. Disease mechanism: loss of function.

gnomAD v4.1: 2 of 1,557,052 alleles (0.00013%); highest among the groups gnomAD compares: Non-Finnish European, 0.00018%; no homozygotes.

Submission:

Myriad Genetics, Inc.
Classification: Benign for Melanoma-pancreatic cancer syndrome. Last evaluated: 2025-08-15. Review status: criteria provided, single submitter. Criteria: Myriad Autosomal Dominant, Autosomal Recessive and X-Linked Classification Criteria (2023). Collection method: clinical testing. Allele origin: unknown.
Comment: This variant is considered benign. This variant is intronic and is not expected to impact mRNA splicing.